The following is an entry in ClinVar:

ClinVar aggregate classification (germline): Conflicting classifications of pathogenicity. Review status: criteria provided, conflicting classifications (1 of 4 stars). 4 submissions from 4 submitters: Uncertain significance (1); Benign (1); Likely benign (2). Last evaluated 2026-09-01.

Conditions:
Autosomal recessive ataxia, Beauce type. Also called: ATAXIA, RECESSIVE, OF BEAUCE; SYNE1-Related Autosomal Recessive Cerebellar Ataxia; Spinocerebellar ataxia, autosomal recessive 8; SYNE1 Deficiency. Identifiers: Orphanet 88644, MedGen C1853116, MONDO:0012549, OMIM 610743.
Emery-Dreifuss muscular dystrophy 4, autosomal dominant (EDMD4). Also called: EMERY-DREIFUSS MUSCULAR DYSTROPHY 4 WITH VARIABLE FEATURES. Identifiers: Orphanet 261, MedGen C2751807, MONDO:0013071, OMIM 612998.

Allele frequency attached by ClinVar (database versions not stated): TOPMed 0.00014; gnomAD 0.00015; 1000 Genomes Project 30x 0.00016; 1000 Genomes Project 0.00020; ExAC 0.00027.
gnomAD v4.1: 158 of 1,613,910 alleles (0.0098%); highest among the groups gnomAD compares: East Asian, 0.19%; no homozygotes.

Submissions (4):

CeGaT Center for Human Genetics Tuebingen
Classification: Likely benign. Last evaluated: 2026-09-01. Review status: criteria provided, single submitter. Criteria: CeGaT Center For Human Genetics Tuebingen Variant Classification Criteria Version 2. Collection method: clinical testing. Allele origin: germline. Affected: yes. Observed: 1 variant allele.
Comment: SYNE1: BP4, BP7

Labcorp Genetics (formerly Invitae), Labcorp
Classification: Benign for Emery-Dreifuss muscular dystrophy 4, autosomal dominant; Autosomal recessive ataxia, Beauce type. Last evaluated: 2025-05-02. Review status: criteria provided, single submitter. Criteria: Invitae Variant Classification Sherloc (09022015). Collection method: clinical testing. Allele origin: germline.

Athena Diagnostics
Classification: Likely benign. Last evaluated: 2018-08-24. Review status: criteria provided, single submitter. Criteria: Athena Diagnostics Criteria. Collection method: clinical testing. Allele origin: germline.

Eurofins Ntd Llc (ga)
Classification: Uncertain significance. Last evaluated: 2015-10-02. Review status: criteria provided, single submitter. Criteria: EGL Classification Definitions 2015. Collection method: clinical testing. Allele origin: germline. Observed: 1 variant allele, 1 heterozygote.

NM_182961.4(SYNE1):c.6648C>T (p.Cys2216=)

Gene: SYNE1 (spectrin repeat containing nuclear envelope protein 1; minus strand). Cytogenetic location: 6q25.2.
Variant type: single nucleotide variant.
Coding change: c.6648C>T on transcript NM_182961.4 (MANE Select); coding-DNA position 6648, C replaced by T.
Protein change: p.Cys2216=; no amino-acid change (cysteine 2216 retained).
Molecular consequence: synonymous variant.
Genome position (GRCh38, 1-based): chr6:152,407,089, G>A on the plus strand (C>T on the coding strand, the complement: SYNE1 is on the minus strand). VCF-style: chr6-152407089-G-A. GRCh37 (hg19) VCF-style: chr6-152728224-G-A.
Other names: c.6669C>T, p.Cys2223= (NM_033071.5).
Identifiers: ClinVar variation 283754 (VCV000283754.22), dbSNP rs185829704, ClinGen allele CA4058022.